The following is an entry in ClinVar:

NM_001379500.1(COL18A1):c.3763C>T (p.Arg1255Cys)

Genes: SLC19A1 (solute carrier family 19 member 1; minus strand), COL18A1 (collagen type XVIII alpha 1 chain; plus strand). Cytogenetic location: 21q22.3.
Variant type: single nucleotide variant.
Coding change: c.3763C>T on transcript NM_001379500.1 (MANE Select); coding-DNA position 3763, C replaced by T.
Protein change: p.Arg1255Cys; replaces arginine 1255 with cysteine.
Molecular consequence: missense variant.
Genome position (GRCh38, 1-based): chr21:45,511,180, C>T. VCF-style: chr21-45511180-C-T. GRCh37 (hg19) VCF-style: chr21-46931094-C-T.
Other names: c.4294C>T, p.Arg1432Cys (NM_030582.4); c.4999C>T, p.Arg1667Cys (NM_130444.3); c.4294C>T (NM_030582.3); short protein forms R1255C, R1432C, R1667C.
Identifiers: ClinVar variation 1152852 (VCV001152852.13), dbSNP rs199908300, ClinGen allele CA10068067.

ClinVar aggregate classification (germline): Likely benign. Review status: criteria provided, multiple submitters, no conflicts (2 of 4 stars). 4 submissions from 4 submitters: Likely benign (3). 1 of the submissions does not count toward it. Last evaluated 2026-01-30.

Conditions:
COL18A1-related disorder. Also called: COL18A1-related disorders; COL18A1-related condition.

Allele frequency attached by ClinVar (database versions not stated): gnomAD exomes 0.00016; ExAC 0.00065; 1000 Genomes Project 0.00100; ESP Exome Variant Server 0.00122; 1000 Genomes Project 30x 0.00125; gnomAD 0.00155 and 0.00169; TOPMed 0.00181.
gnomAD v4.1: 467 of 1,600,612 alleles (0.029%); highest among the groups gnomAD compares: African/African-American, 0.54%; 2 homozygotes.

Submissions (4):

Labcorp Genetics (formerly Invitae), Labcorp
Classification: Likely benign. Last evaluated: 2026-01-30. Review status: criteria provided, single submitter. Criteria: Invitae Variant Classification Sherloc (09022015). Collection method: clinical testing. Allele origin: germline.

Blueprint Genetics
Classification: Likely benign. Last evaluated: 2024-11-25. Review status: criteria provided, single submitter. Criteria: ACMG Guidelines, 2015. Collection method: clinical testing. Allele origin: germline.

Breakthrough Genomics
Classification: Likely benign. Review status: criteria provided, single submitter. Criteria: ACMG Guidelines, 2015. Collection method: not provided. Allele origin: germline. Inheritance: Autosomal recessive inheritance. Affected: yes.

PreventionGenetics, part of Exact Sciences
Classification: Likely benign for COL18A1-related condition. Last evaluated: 2023-02-27. Review status: no assertion criteria provided. Collection method: clinical testing. Allele origin: germline. Not counted in ClinVar's aggregate classification.
Comment: This variant is classified as likely benign based on ACMG/AMP sequence variant interpretation guidelines (Richards et al. 2015 PMID: 25741868, with internal and published modifications).